The following is an entry in ClinVar:

NM_001001957.2(OR2W3):c.634G>C (p.Val212Leu)

Gene: OR2W3 (olfactory receptor family 2 subfamily W member 3; plus strand). Cytogenetic location: 1q44.
Variant type: single nucleotide variant.
Coding change: c.634G>C on transcript NM_001001957.2 (MANE Select); coding-DNA position 634, G replaced by C.
Protein change: p.Val212Leu; replaces valine 212 with leucine.
Molecular consequence: missense variant.
Genome position (GRCh38, 1-based): chr1:247,896,220, G>C. VCF-style: chr1-247896220-G-C. GRCh37 (hg19) VCF-style: chr1-248059522-G-C.
Other names: short protein forms V212L.
Identifiers: ClinVar variation 2993209 (VCV002993209.3), dbSNP rs1388972305, ClinGen allele CA345594693.

ClinVar aggregate classification (germline): Uncertain significance (1 of 4 stars; one submission).

Submission:

Labcorp Genetics (formerly Invitae), Labcorp
Classification: Uncertain significance. Last evaluated: 2023-08-09. Review status: criteria provided, single submitter. Criteria: Invitae Variant Classification Sherloc (09022015). Collection method: clinical testing. Allele origin: germline.
Comment: This sequence change replaces valine, which is neutral and non-polar, with leucine, which is neutral and non-polar, at codon 212 of the OR2W3 protein (p.Val212Leu). This variant is not present in population databases (gnomAD no frequency). This variant has not been reported in the literature in individuals affected with OR2W3-related conditions. An algorithm developed to predict the effect of missense changes on protein structure and function (PolyPhen-2) suggests that this variant is likely to be tolerated. In summary, the available evidence is currently insufficient to determine the role of this variant in disease. Therefore, it has been classified as a Variant of Uncertain Significance.